The following is an entry in ClinVar:

NM_004064.5(CDKN1B):c.-2A>G

Gene: CDKN1B (cyclin dependent kinase inhibitor 1B; plus strand). Cytogenetic location: 12p13.1.
Variant type: single nucleotide variant.
Coding change: c.-2A>G on transcript NM_004064.5 (MANE Select); 2 bases upstream of the start codon, A replaced by G.
Molecular consequence: 5 prime UTR variant.
Genome position (GRCh38, 1-based): chr12:12,717,838, A>G. VCF-style: chr12-12717838-A-G. GRCh37 (hg19) VCF-style: chr12-12870772-A-G.
Identifiers: ClinVar variation 3223676 (VCV003223676.1), dbSNP rs998060990, ClinGen allele CA233059507.

ClinVar aggregate classification (germline): Uncertain significance (1 of 4 stars; one submission).

Conditions:
Hereditary cancer-predisposing syndrome. Also called: Tumor predisposition; Hereditary neoplastic syndrome; Hereditary Cancer Syndrome; Neoplastic Syndromes, Hereditary. Identifiers: Orphanet 140162, MedGen C0027672, MeSH D009386, MONDO:0015356.

Submission:

Ambry Genetics
Classification: Uncertain significance for Hereditary cancer-predisposing syndrome. Last evaluated: 2023-11-27. Review status: criteria provided, single submitter. Criteria: Ambry Variant Classification Scheme 2023. Collection method: clinical testing. Allele origin: germline.
Comment: The c.-2A>G variant is located in the 5' untranslated region (5&rsquo; UTR) of the CDKN1B gene. This variant results from an A to G substitution 2 bases upstream from the first translated codon. This nucleotide position is well conserved in available vertebrate species. Since supporting evidence is limited at this time, the clinical significance of this alteration remains unclear.